The following is an entry in ClinVar:

NM_004586.3(RPS6KA3):c.1430T>A (p.Ile477Asn)

Gene: RPS6KA3 (ribosomal protein S6 kinase A3; minus strand). Cytogenetic location: Xp22.12.
Variant type: single nucleotide variant.
Coding change: c.1430T>A on transcript NM_004586.3 (MANE Select); coding-DNA position 1430, T replaced by A.
Protein change: p.Ile477Asn; replaces isoleucine 477 with asparagine.
Molecular consequence: missense variant.
Genome position (GRCh38, 1-based): chrX:20,169,415, A>T on the plus strand (T>A on the coding strand, the complement: RPS6KA3 is on the minus strand). VCF-style: chrX-20169415-A-T. GRCh37 (hg19) VCF-style: chrX-20187533-A-T.
Other names: short protein forms I477N.
Identifiers: ClinVar variation 1707752 (VCV001707752.2), dbSNP rs2519650153, ClinGen allele CA412515113.

ClinVar aggregate classification (germline): Uncertain significance (1 of 4 stars; one submission).

Submission:

GeneDx
Classification: Uncertain significance. Last evaluated: 2022-03-31. Review status: criteria provided, single submitter. Criteria: GeneDx Variant Classification Process June 2021. Collection method: clinical testing. Allele origin: germline. Affected: yes.
Comment: Not observed at significant frequency in large population cohorts (gnomAD); In silico analysis supports that this missense variant has a deleterious effect on protein structure/function; Has not been previously published as pathogenic or benign to our knowledge